The following is an entry in ClinVar:

NM_014712.3(SETD1A):c.4370C>A (p.Ala1457Asp)

Gene: SETD1A (SET domain containing 1A, histone lysine methyltransferase; plus strand). Cytogenetic location: 16p11.2.
Variant type: single nucleotide variant.
Coding change: c.4370C>A on transcript NM_014712.3 (MANE Select); coding-DNA position 4370, C replaced by A.
Protein change: p.Ala1457Asp; replaces alanine 1457 with aspartic acid.
Molecular consequence: missense variant.
Genome position (GRCh38, 1-based): chr16:30,980,156, C>A. VCF-style: chr16-30980156-C-A. GRCh37 (hg19) VCF-style: chr16-30991477-C-A.
Other names: short protein forms A1457D.
Identifiers: ClinVar variation 3317704 (VCV003317704.2).

ClinVar aggregate classification (germline): Uncertain significance (1 of 4 stars; one submission).

Conditions:
Inborn genetic diseases. Identifiers: MedGen C0950123, MeSH D030342.

gnomAD v4.1: 4 of 1,609,388 alleles (0.00025%); highest among the groups gnomAD compares: Non-Finnish European, 0.00034%; no homozygotes.

Submission:

Ambry Genetics
Classification: Uncertain significance for Inborn genetic diseases. Last evaluated: 2026-08-12. Review status: criteria provided, single submitter. Criteria: Ambry Variant Classification Scheme 2023. Collection method: clinical testing. Allele origin: germline.
Comment: The c.4370C>A (p.A1457D) alteration is located in exon 14 (coding exon 13) of the SETD1A gene. This alteration results from a C to A substitution at nucleotide position 4370, causing the alanine (A) at amino acid position 1457 to be replaced by an aspartic acid (D). Based on data from gnomAD, the A allele has an overall frequency of <0.001% (0/241528) total alleles studied. The highest observed frequency was <0.001% (/) of alleles. Based on insufficient or conflicting evidence, the clinical significance of this alteration remains unclear.